The following is an entry in ClinVar:

ClinVar aggregate classification (germline): Uncertain significance (1 of 4 stars; one submission).

Conditions:
Autosomal recessive limb-girdle muscular dystrophy type 2O. Also called: Limb-Girdle Muscular Dystrophy Type 3C; MUSCULAR DYSTROPHY-DYSTROGLYCANOPATHY (LIMB-GIRDLE), TYPE C, 3; MUSCULAR DYSTROPHY-DYSTROGLYCANOPATHY, LIMB-GIRDLE, POMGNT1-RELATED. Identifiers: Orphanet 206564, MedGen C3150417, MONDO:0013161, OMIM 613157.

Submission:

Victorian Clinical Genetics Services, Murdoch Childrens Research Institute
Classification: Uncertain significance for Autosomal recessive limb-girdle muscular dystrophy type 2O. Last evaluated: 2022-09-02. Review status: criteria provided, single submitter. Criteria: ACMG Guidelines, 2015. Collection method: clinical testing. Allele origin: germline. Inheritance: Autosomal recessive inheritance. Affected: yes.
Comment: Based on the classification scheme VCGS_Germline_v1.3.4, this variant is classified as VUS-3A. Following criteria are met: 0102 - Loss of function is a known mechanism of disease in this gene and is associated with muscular dystrophy-dystroglycanopathy (congenital with brain and eye anomalies), type A, 3 (MIM#253280), (congenital with mental retardation), type B, 3 (MIM#613151) or (limb-girdle), type C, 3 (MIM#613157); and retinitis pigmentosa 76 (MIM#617123). (I) 0106 - This gene is associated with autosomal recessive disease. (I) 0200 - Variant is predicted to result in a missense amino acid change from serine to glycine. (I) 0251 - This variant is heterozygous. (I) 0301 - Variant is absent from gnomAD (both v2 and v3). (SP) 0309 - An alternative amino acid change at the same position has been observed in gnomAD (v2: 1 heterozygote, 0 homozygotes). (I) 0503 - Missense variant consistently predicted to be tolerated by multiple in silico tools or not conserved in placental mammals with a minor amino acid change. In addition, while this variant lies within the splice region, the nucleotide is highly conserved and abnormal splicing is not predicted. (SB) 0600 - Variant is located in the annotated GNT-I domain (DECIPHER). (I) 0703 - Another missense comparable to the one identified in this case has moderate previous evidence for pathogenicity. p.(Ser550Asn) has been reported in at least two homozygotes with peripheral hypotonia and muscle-eye-disease (PMID: 35846108 , 11709191). (SP) 0807 - This variant has no previous evidence of pathogenicity. (I) 0905 - No published segregation evidence has been identified for this variant. (I) 1007 - No published functional evidence has been identified for this variant. (I) 1208 - Inheritance information for this variant is not currently available in this individual. (I) Legend: (SP) - Supporting pathogenic, (I) - Information, (SB) - Supporting benign

Literature cited by the submitters: PubMed 11709191; PubMed 35846108.

NM_017739.4(POMGNT1):c.1648A>G (p.Ser550Gly)

Genes: POMGNT1 (protein O-linked mannose N-acetylglucosaminyltransferase 1 (beta 1,2-); minus strand), TSPAN1 (tetraspanin 1; plus strand). Cytogenetic location: 1p34.1.
Variant type: single nucleotide variant.
Coding change: c.1648A>G on transcript NM_017739.4 (MANE Select); coding-DNA position 1648, A replaced by G.
Protein change: p.Ser550Gly; replaces serine 550 with glycine.
Molecular consequence: missense variant.
Genome position (GRCh38, 1-based): chr1:46,190,474, T>C on the plus strand (A>G on the coding strand, the complement: POMGNT1 is on the minus strand). VCF-style: chr1-46190474-T-C. GRCh37 (hg19) VCF-style: chr1-46656146-T-C.
Other names: c.1648A>G, p.Ser550Gly (NM_001243766.2, NM_001410783.1); c.1582A>G, p.Ser528Gly (NM_001290129.3); c.1219A>G, p.Ser407Gly (NM_001290130.2); short protein forms S407G, S528G, S550G.
Identifiers: ClinVar variation 1699043 (VCV001699043.3), dbSNP rs2148172085, ClinGen allele CA340171743.
Genomic context (GRCh38, chr1:46,190,474, plus strand): 5'-AAGATCCCCAGTATTTGACTCTTTGCTCCCTGCTACACCCCAATTGTCCTAGGCCATACC[T>C]GAGCAGCCTGTGAACTTCCACTTCATAAGCTTCTTTCTTCAGACTGAAGAGGAGGGAGAA-3'
Protein context (NP_060209.4, residues 540-560): AYEVEVHRLL[Ser550Gly]EAEVLDHSKN